The following is an entry in ClinVar:

ClinVar aggregate classification (germline): Conflicting classifications of pathogenicity. Review status: criteria provided, conflicting classifications (1 of 4 stars). 2 submissions from 2 submitters: Uncertain significance (1); Likely benign (1). Last evaluated 2025-04-16.

Conditions:
Inborn genetic diseases. Identifiers: MedGen C0950123, MeSH D030342.

gnomAD v4.1: 6 of 961,370 alleles (0.00062%); highest among the groups gnomAD compares: Admixed American, 0.007%; no homozygotes.

Submissions (2):

Ambry Genetics
Classification: Uncertain significance for Inborn genetic diseases. Last evaluated: 2025-04-16. Review status: criteria provided, single submitter. Criteria: Ambry Variant Classification Scheme 2023. Collection method: clinical testing. Allele origin: germline.

CeGaT Center for Human Genetics Tuebingen
Classification: Likely benign. Last evaluated: 2023-12-01. Review status: criteria provided, single submitter. Criteria: CeGaT Center For Human Genetics Tuebingen Variant Classification Criteria Version 2. Collection method: clinical testing. Allele origin: germline. Affected: yes. Observed: 1 variant allele.
Comment: RERE: BP4

NM_001042681.2(RERE):c.3064C>T (p.Pro1022Ser)

Gene: RERE (arginine-glutamic acid dipeptide repeats; minus strand). Cytogenetic location: 1p36.23.
Variant type: single nucleotide variant.
Coding change: c.3064C>T on transcript NM_001042681.2 (MANE Select); coding-DNA position 3064, C replaced by T.
Protein change: p.Pro1022Ser; replaces proline 1022 with serine.
Molecular consequence: missense variant.
Genome position (GRCh38, 1-based): chr1:8,360,443, G>A on the plus strand (C>T on the coding strand, the complement: RERE is on the minus strand). VCF-style: chr1-8360443-G-A. GRCh37 (hg19) VCF-style: chr1-8420503-G-A.
Other names: c.1402C>T, p.Pro468Ser (NM_001042682.2); c.3064C>T, p.Pro1022Ser (NM_012102.4); c.3064C>T (NM_012102.3); short protein forms P1022S, P468S.
Identifiers: ClinVar variation 3025882 (VCV003025882.22), dbSNP rs202121539, ClinGen allele CA17695107.